The following is an entry in ClinVar:

NM_006005.3(WFS1):c.166G>A (p.Asp56Asn)

Gene: WFS1 (wolframin ER transmembrane glycoprotein; plus strand). Cytogenetic location: 4p16.1.
Variant type: single nucleotide variant.
Coding change: c.166G>A on transcript NM_006005.3 (MANE Select); coding-DNA position 166, G replaced by A.
Protein change: p.Asp56Asn; replaces aspartic acid 56 with asparagine.
Molecular consequence: missense variant.
Genome position (GRCh38, 1-based): chr4:6,277,621, G>A. VCF-style: chr4-6277621-G-A. GRCh37 (hg19) VCF-style: chr4-6279348-G-A.
Other names: c.166G>A, p.Asp56Asn (NM_001145853.1); short protein forms D56N.
Identifiers: ClinVar variation 2132005 (VCV002132005.4), dbSNP rs1272094309, ClinGen allele CA356169765.

ClinVar aggregate classification (germline): Uncertain significance (1 of 4 stars; one submission).

Allele frequency attached by ClinVar (database versions not stated): gnomAD exomes below 0.00001.
gnomAD v4.1: 1 of 1,573,188 alleles (0.000064%); highest among the groups gnomAD compares: African/African-American, 0.0013%; no homozygotes.

Submission:

Labcorp Genetics (formerly Invitae), Labcorp
Classification: Uncertain significance. Last evaluated: 2025-11-19. Review status: criteria provided, single submitter. Criteria: Invitae Variant Classification Sherloc (09022015). Collection method: clinical testing. Allele origin: germline.
Comment: This sequence change replaces aspartic acid, which is acidic and polar, with asparagine, which is neutral and polar, at codon 56 of the WFS1 protein (p.Asp56Asn). This variant is not present in population databases (gnomAD no frequency). This variant has not been reported in the literature in individuals affected with WFS1-related conditions. ClinVar contains an entry for this variant (Variation ID: 2132005). Invitae Evidence Modeling of protein sequence and biophysical properties (such as structural, functional, and spatial information, amino acid conservation, physicochemical variation, residue mobility, and thermodynamic stability) indicates that this missense variant is not expected to disrupt WFS1 protein function with a negative predictive value of 80%. In summary, the available evidence is currently insufficient to determine the role of this variant in disease. Therefore, it has been classified as a Variant of Uncertain Significance.